The following is an entry in ClinVar:

ClinVar aggregate classification (germline): Uncertain significance (1 of 4 stars; one submission).

Allele frequency attached by ClinVar (database versions not stated): gnomAD exomes below 0.00001.
gnomAD v4.1: 1 of 1,614,176 alleles (0.000062%); highest among the groups gnomAD compares: Non-Finnish European, 0.000085%; no homozygotes.

Submission:

Women's Health and Genetics/Laboratory Corporation of America, LabCorp
Classification: Uncertain significance. Last evaluated: 2023-07-25. Review status: criteria provided, single submitter. Criteria: LabCorp Variant Classification Summary - May 2015. Collection method: clinical testing. Allele origin: germline.
Comment: Variant summary: EP300 c.6722A>G (p.Gln2241Arg) results in a conservative amino acid change in the encoded protein sequence. Four of five in-silico tools predict a benign effect of the variant on protein function. The variant was absent in 251156 control chromosomes (gnomAD). The available data on variant occurrences in the general population are insufficient to allow any conclusion about variant significance. To our knowledge, no occurrence of c.6722A>G in individuals affected with Rubinstein-Taybi Syndrome 2 and no experimental evidence demonstrating its impact on protein function have been reported. No submitters have cited clinical-significance assessments for this variant to ClinVar after 2014. Based on the evidence outlined above, the variant was classified as uncertain significance.

NM_001429.4(EP300):c.6722A>G (p.Gln2241Arg)

Gene: EP300 (E1A binding protein p300; plus strand). Cytogenetic location: 22q13.2.
Variant type: single nucleotide variant.
Coding change: c.6722A>G on transcript NM_001429.4 (MANE Select); coding-DNA position 6722, A replaced by G.
Protein change: p.Gln2241Arg; replaces glutamine 2241 with arginine.
Molecular consequence: missense variant.
Genome position (GRCh38, 1-based): chr22:41,178,433, A>G. VCF-style: chr22-41178433-A-G. GRCh37 (hg19) VCF-style: chr22-41574437-A-G.
Other names: c.6644A>G, p.Gln2215Arg (NM_001362843.2); short protein forms Q2215R, Q2241R.
Identifiers: ClinVar variation 2577354 (VCV002577354.1), dbSNP rs2517835383, ClinGen allele CA411682601.